The following is an entry in ClinVar:

ClinVar aggregate classification (germline): Uncertain significance (1 of 4 stars; one submission).

Submission:

Dasa
Classification: Uncertain significance. Last evaluated: 2026-04-25. Review status: criteria provided, single submitter. Criteria: DASA Assertion Criteria. Collection method: clinical testing. Allele origin: germline.
Comment: NM_000116.5(TAZ):c.512A>G (p.His171Arg) is a missense variant that results in the substitution of histidine with arginine. The affected residue or protein region has prior evidence supporting clinical relevance. This variant is absent from population databases. The currently available literature and clinical evidence are not sufficient to establish a definitive association between this variant and the reported condition. Therefore, this variant is classified as a variant of uncertain significance.

NM_000116.5(TAFAZZIN):c.512A>G (p.His171Arg)

Gene: TAFAZZIN (tafazzin, phospholipid-lysophospholipid transacylase; plus strand). Cytogenetic location: Xq28.
Variant type: single nucleotide variant.
Coding change: c.512A>G on transcript NM_000116.5 (MANE Select); coding-DNA position 512, A replaced by G.
Protein change: p.His171Arg; replaces histidine 171 with arginine.
Molecular consequence: missense variant. On other transcripts: non-coding transcript variant (1), intron variant (1).
Genome position (GRCh38, 1-based): chrX:154,419,594, A>G. VCF-style: chrX-154419594-A-G. GRCh37 (hg19) VCF-style: chrX-153647933-A-G.
Other names: c.566A>G, p.His189Arg (NM_001303465.2, NM_001440856.1); c.476A>G, p.His159Arg (NM_001410698.1, NM_001440857.1); c.422A>G, p.His141Arg (NM_181311.4, NM_181313.4); c.512A>G, p.His171Arg (NM_181312.4); c.371-438A>G (NM_001440858.1); short protein forms H141R, H159R, H171R, H189R.
Identifiers: ClinVar variation 4885483 (VCV004885483.2).